The following is an entry in ClinVar:

ClinVar aggregate classification (germline): Uncertain significance. Review status: criteria provided, multiple submitters, no conflicts (2 of 4 stars). 2 submissions from 2 submitters: Uncertain significance (2). Last evaluated 2025-11-05.

Conditions:
Inborn genetic diseases. Identifiers: MedGen C0950123, MeSH D030342.
LAMA2-related muscular dystrophy (LAMA2-RD). Also called: Laminin alpha 2-related dystrophy. Identifiers: MedGen C5679788, MONDO:0100228.

Allele frequency attached by ClinVar (database versions not stated): gnomAD exomes below 0.00001.
gnomAD v4.1: 1 of 1,613,990 alleles (0.000062%); highest among the groups gnomAD compares: Non-Finnish European, 0.000085%; no homozygotes.

Submissions (2):

Ambry Genetics
Classification: Uncertain significance for Inborn genetic diseases. Last evaluated: 2025-11-05. Review status: criteria provided, single submitter. Criteria: Ambry Variant Classification Scheme 2023. Collection method: clinical testing. Allele origin: germline.

Labcorp Genetics (formerly Invitae), Labcorp
Classification: Uncertain significance for LAMA2-related muscular dystrophy. Last evaluated: 2024-10-19. Review status: criteria provided, single submitter. Criteria: Invitae Variant Classification Sherloc (09022015). Collection method: clinical testing. Allele origin: germline.
Comment: This sequence change replaces serine, which is neutral and polar, with cysteine, which is neutral and slightly polar, at codon 1176 of the LAMA2 protein (p.Ser1176Cys). This variant is not present in population databases (gnomAD no frequency). This variant has not been reported in the literature in individuals affected with LAMA2-related conditions. ClinVar contains an entry for this variant (Variation ID: 1464286). Invitae Evidence Modeling of protein sequence and biophysical properties (such as structural, functional, and spatial information, amino acid conservation, physicochemical variation, residue mobility, and thermodynamic stability) indicates that this missense variant is not expected to disrupt LAMA2 protein function with a negative predictive value of 95%. In summary, the available evidence is currently insufficient to determine the role of this variant in disease. Therefore, it has been classified as a Variant of Uncertain Significance.

NM_000426.4(LAMA2):c.3527C>G (p.Ser1176Cys)

Gene: LAMA2 (laminin subunit alpha 2; plus strand). Cytogenetic location: 6q22.33.
Variant type: single nucleotide variant.
Coding change: c.3527C>G on transcript NM_000426.4 (MANE Select); coding-DNA position 3527, C replaced by G.
Protein change: p.Ser1176Cys; replaces serine 1176 with cysteine.
Molecular consequence: missense variant.
Genome position (GRCh38, 1-based): chr6:129,314,770, C>G. VCF-style: chr6-129314770-C-G. GRCh37 (hg19) VCF-style: chr6-129635915-C-G.
Other names: c.3527C>G, p.Ser1176Cys (NM_001079823.2); c.3527C>G (NM_000426.3); short protein forms S1176C.
Identifiers: ClinVar variation 1464286 (VCV001464286.7), dbSNP rs1774472269, ClinGen allele CA365612447.